The following is an entry in ClinVar:

ClinVar aggregate classification (germline): Uncertain significance (1 of 4 stars; one submission).

Conditions:
Cardiovascular phenotype. Identifiers: MedGen CN230736.

Submission:

Ambry Genetics
Classification: Uncertain significance for Cardiovascular phenotype. Last evaluated: 2019-05-06. Review status: criteria provided, single submitter. Criteria: Ambry Variant Classification Scheme 2023. Collection method: clinical testing. Allele origin: germline.
Comment: The p.L120F variant (also known as c.358C>T), located in coding exon 3 of the MYH7 gene, results from a C to T substitution at nucleotide position 358. The leucine at codon 120 is replaced by phenylalanine, an amino acid with highly similar properties. This amino acid position is highly conserved in available vertebrate species. In addition, this alteration is predicted to be deleterious by in silico analysis. Since supporting evidence is limited at this time, the clinical significance of this alteration remains unclear.

NM_000257.4(MYH7):c.358C>T (p.Leu120Phe)

Gene: MYH7 (myosin heavy chain 7; minus strand). Cytogenetic location: 14q11.2.
Variant type: single nucleotide variant.
Coding change: c.358C>T on transcript NM_000257.4 (MANE Select); coding-DNA position 358, C replaced by T.
Protein change: p.Leu120Phe; replaces leucine 120 with phenylalanine.
Molecular consequence: missense variant.
Genome position (GRCh38, 1-based): chr14:23,432,783, G>A on the plus strand (C>T on the coding strand, the complement: MYH7 is on the minus strand). VCF-style: chr14-23432783-G-A. GRCh37 (hg19) VCF-style: chr14-23901992-G-A.
Other names: c.358C>T, p.Leu120Phe (NM_001407004.1); short protein forms L120F.
Identifiers: ClinVar variation 1732978 (VCV001732978.2), dbSNP rs2502318338, ClinGen allele CA389052989.